The following is an entry in ClinVar:

ClinVar aggregate classification (germline): Likely pathogenic (1 of 4 stars; one submission).

Conditions:
Dilated cardiomyopathy 1G (CMD1G). Identifiers: Orphanet 154, MedGen C1858763, MONDO:0011400, OMIM 604145.
Autosomal recessive limb-girdle muscular dystrophy type 2J (LGMDR10). Also called: Limb-girdle muscular dystrophy, type 2J; MUSCULAR DYSTROPHY, LIMB-GIRDLE, AUTOSOMAL RECESSIVE 10. Identifiers: Orphanet 140922, MedGen C1837342, MONDO:0012127, OMIM 608807.

Submission:

Labcorp Genetics (formerly Invitae), Labcorp
Classification: Likely pathogenic for Dilated cardiomyopathy 1G; Autosomal recessive limb-girdle muscular dystrophy type 2J. Last evaluated: 2024-12-10. Review status: criteria provided, single submitter. Criteria: Invitae Variant Classification Sherloc (09022015). Collection method: clinical testing. Allele origin: germline.
Comment: This sequence change creates a premature translational stop signal (p.Gln25700*) in the TTN gene. While this is not anticipated to result in nonsense mediated decay, it is expected to create a truncated TTN protein. This variant is not present in population databases (gnomAD no frequency). This variant has not been reported in the literature in individuals affected with TTN-related conditions. This variant is located in the A band of TTN (PMID: 25589632). Truncating variants in this region are significantly overrepresented in patients affected with dilated cardiomyopathy (PMID: 25589632). Truncating variants in this region have also been reported in individuals affected with autosomal recessive centronuclear myopathy (PMID: 23975875). In summary, the currently available evidence indicates that the variant is pathogenic, but additional data are needed to prove that conclusively. Therefore, this variant has been classified as Likely Pathogenic.

Literature cited by the submitters: PubMed 25589632; PubMed 23975875.

NM_001267550.2(TTN):c.77098C>T (p.Gln25700Ter)

Genes: TTN-AS1 (TTN antisense RNA 1; plus strand), TTN (titin; minus strand). Cytogenetic location: 2q31.2.
Variant type: single nucleotide variant.
Coding change: c.77098C>T on transcript NM_001267550.2 (MANE Select); coding-DNA position 77098, C replaced by T.
Protein change: p.Gln25700Ter; replaces glutamine 25700 with a stop codon.
Molecular consequence: nonsense.
Genome position (GRCh38, 1-based): chr2:178,569,034, G>A on the plus strand (C>T on the coding strand, the complement: TTN is on the minus strand). VCF-style: chr2-178569034-G-A. GRCh37 (hg19) VCF-style: chr2-179433761-G-A.
Other names: c.72175C>T, p.Gln24059Ter (NM_001256850.1); c.49903C>T, p.Gln16635Ter (NM_003319.4); c.69394C>T, p.Gln23132Ter (NM_133378.4); c.50278C>T, p.Gln16760Ter (NM_133432.3); c.50479C>T, p.Gln16827Ter (NM_133437.4); short protein forms Q16635*, Q16760*, Q16827*, Q23132*, Q24059*, Q25700*.
Identifiers: ClinVar variation 3760012 (VCV003760012.2).